The following is an entry in ClinVar:

ClinVar aggregate classification (germline): Uncertain significance. Review status: criteria provided, multiple submitters, no conflicts (2 of 4 stars). 3 submissions from 3 submitters: Uncertain significance (3). Last evaluated 2024-10-07.

Conditions:
Inborn genetic diseases. Identifiers: MedGen C0950123, MeSH D030342.

Allele frequency attached by ClinVar (database versions not stated): ExAC 0.00008; gnomAD 0.00001; TOPMed 0.00001.
gnomAD v4.1: 66 of 1,614,076 alleles (0.0041%); highest among the groups gnomAD compares: South Asian, 0.058%; 1 homozygote.

Submissions (3):

Labcorp Genetics (formerly Invitae), Labcorp
Classification: Uncertain significance. Last evaluated: 2024-10-07. Review status: criteria provided, single submitter. Criteria: Invitae Variant Classification Sherloc (09022015). Collection method: clinical testing. Allele origin: germline.
Comment: This sequence change replaces leucine, which is neutral and non-polar, with proline, which is neutral and non-polar, at codon 182 of the TFAP2A protein (p.Leu182Pro). This variant is present in population databases (rs764532449, gnomAD 0.06%), and has an allele count higher than expected for a pathogenic variant. This variant has not been reported in the literature in individuals affected with TFAP2A-related conditions. ClinVar contains an entry for this variant (Variation ID: 1334318). An algorithm developed to predict the effect of missense changes on protein structure and function (PolyPhen-2) suggests that this variant is likely to be disruptive. In summary, the available evidence is currently insufficient to determine the role of this variant in disease. Therefore, it has been classified as a Variant of Uncertain Significance.

Ambry Genetics
Classification: Uncertain significance for Inborn genetic diseases. Last evaluated: 2023-10-05. Review status: criteria provided, single submitter. Criteria: Ambry Variant Classification Scheme 2023. Collection method: clinical testing. Allele origin: germline.

GeneDx
Classification: Uncertain significance. Last evaluated: 2022-01-11. Review status: criteria provided, single submitter. Criteria: GeneDx Variant Classification Process June 2021. Collection method: clinical testing. Allele origin: germline. Affected: yes.
Comment: In silico analysis supports that this missense variant does not alter protein structure/function; Has not been previously published as pathogenic or benign to our knowledge

NM_001372066.1(TFAP2A):c.551T>C (p.Leu184Pro)

Genes: TFAP2A (transcription factor AP-2 alpha; minus strand), TFAP2A-AS2 (TFAP2A antisense RNA 2; plus strand), LOC121740638 (BRD4-independent group 4 enhancer GRCh37_chr6:10403277-10404476; plus strand). Cytogenetic location: 6p24.3.
Variant type: single nucleotide variant.
Coding change: c.551T>C on transcript NM_001372066.1 (MANE Select); coding-DNA position 551, T replaced by C.
Protein change: p.Leu184Pro; replaces leucine 184 with proline.
Molecular consequence: missense variant. On other transcripts: non-coding transcript variant (1).
Genome position (GRCh38, 1-based): chr6:10,404,727, A>G on the plus strand (T>C on the coding strand, the complement: TFAP2A is on the minus strand). VCF-style: chr6-10404727-A-G. GRCh37 (hg19) VCF-style: chr6-10404960-A-G.
Other names: NM_003220.2:c.545T>C; c.527T>C, p.Leu176Pro (NM_001032280.3); c.533T>C, p.Leu178Pro (NM_001042425.3); short protein forms L176P, L178P, L184P.
Identifiers: ClinVar variation 1334318 (VCV001334318.6), dbSNP rs764532449, ClinGen allele CA3631293.